The following is an entry in ClinVar:

NM_021620.4(PRDM13):c.652G>C (p.Val218Leu)

Gene: PRDM13 (PR/SET domain 13; plus strand). Cytogenetic location: 6q16.2.
Variant type: single nucleotide variant.
Coding change: c.652G>C on transcript NM_021620.4 (MANE Select); coding-DNA position 652, G replaced by C.
Protein change: p.Val218Leu; replaces valine 218 with leucine.
Molecular consequence: missense variant.
Genome position (GRCh38, 1-based): chr6:99,613,287, G>C. VCF-style: chr6-99613287-G-C. GRCh37 (hg19) VCF-style: chr6-100061163-G-C.
Other names: c.652G>C (NM_021620.3); short protein forms V218L.
Identifiers: ClinVar variation 2969663 (VCV002969663.4), dbSNP rs766594146, ClinGen allele CA3936255.

ClinVar aggregate classification (germline): Uncertain significance. Review status: criteria provided, multiple submitters, no conflicts (2 of 4 stars). 2 submissions from 2 submitters: Uncertain significance (2). Last evaluated 2025-09-30.

Conditions:
PRDM13-related disorder. Also called: PRDM13-related condition.

Allele frequency attached by ClinVar (database versions not stated): gnomAD 0.00003.
gnomAD v4.1: 20 of 1,585,668 alleles (0.0013%); highest among the groups gnomAD compares: African/African-American, 0.004%; no homozygotes.

Submissions (2):

PreventionGenetics, part of Exact Sciences
Classification: Uncertain significance for PRDM13-related condition. Last evaluated: 2025-09-30. Review status: criteria provided, single submitter. Criteria: ACMG Guidelines, 2015. Collection method: clinical testing. Allele origin: germline.
Comment: The PRDM13 c.652G>C variant is predicted to result in the amino acid substitution p.Val218Leu. To our knowledge, this variant has not been reported in the literature. This variant is reported in 0.0053% of alleles in individuals of African descent in gnomAD. At this time, the clinical significance of this variant is uncertain due to the absence of conclusive functional and genetic evidence.

Labcorp Genetics (formerly Invitae), Labcorp
Classification: Uncertain significance. Last evaluated: 2025-02-06. Review status: criteria provided, single submitter. Criteria: Invitae Variant Classification Sherloc (09022015). Collection method: clinical testing. Allele origin: germline.
Comment: This sequence change replaces valine, which is neutral and non-polar, with leucine, which is neutral and non-polar, at codon 218 of the PRDM13 protein (p.Val218Leu). This variant is present in population databases (rs766594146, gnomAD 0.005%). This variant has not been reported in the literature in individuals affected with PRDM13-related conditions. ClinVar contains an entry for this variant (Variation ID: 2969663). An algorithm developed to predict the effect of missense changes on protein structure and function outputs the following: PolyPhen-2: "Benign". The leucine amino acid residue is found in multiple mammalian species, which suggests that this missense change does not adversely affect protein function. In summary, the available evidence is currently insufficient to determine the role of this variant in disease. Therefore, it has been classified as a Variant of Uncertain Significance.